The following is an entry in ClinVar:

NM_181426.2(CCDC39):c.2131C>A (p.Gln711Lys)

Gene: CCDC39 (coiled-coil domain 39 molecular ruler complex subunit; minus strand). Cytogenetic location: 3q26.33.
Variant type: single nucleotide variant.
Coding change: c.2131C>A on transcript NM_181426.2 (MANE Select); coding-DNA position 2131, C replaced by A.
Protein change: p.Gln711Lys; replaces glutamine 711 with lysine.
Molecular consequence: missense variant.
Genome position (GRCh38, 1-based): chr3:180,619,838, G>T on the plus strand (C>A on the coding strand, the complement: CCDC39 is on the minus strand). VCF-style: chr3-180619838-G-T. GRCh37 (hg19) VCF-style: chr3-180337626-G-T.
Other names: short protein forms Q711K.
Identifiers: ClinVar variation 2339937 (VCV002339937.5), dbSNP rs1717384352, ClinGen allele CA355307153.

ClinVar aggregate classification (germline): Uncertain significance. Review status: criteria provided, multiple submitters, no conflicts (2 of 4 stars). 2 submissions from 2 submitters: Uncertain significance (2). Last evaluated 2023-10-29.

Conditions:
Primary ciliary dyskinesia. Also called: Ciliary dyskinesia. Identifiers: Orphanet 244, MedGen C0008780, MONDO:0016575, HP:0012265.

Allele frequency attached by ClinVar (database versions not stated): gnomAD exomes below 0.00001; TOPMed 0.00001.
gnomAD v4.1: 3 of 1,595,916 alleles (0.00019%); highest among the groups gnomAD compares: Admixed American, 0.0017%; no homozygotes.

Submissions (2):

Labcorp Genetics (formerly Invitae), Labcorp
Classification: Uncertain significance for Primary ciliary dyskinesia. Last evaluated: 2023-10-29. Review status: criteria provided, single submitter. Criteria: Invitae Variant Classification Sherloc (09022015). Collection method: clinical testing. Allele origin: germline.
Comment: This sequence change replaces glutamine, which is neutral and polar, with lysine, which is basic and polar, at codon 711 of the CCDC39 protein (p.Gln711Lys). This variant is not present in population databases (gnomAD no frequency). This variant has not been reported in the literature in individuals affected with CCDC39-related conditions. ClinVar contains an entry for this variant (Variation ID: 2339937). An algorithm developed to predict the effect of missense changes on protein structure and function (PolyPhen-2) suggests that this variant is likely to be tolerated. In summary, the available evidence is currently insufficient to determine the role of this variant in disease. Therefore, it has been classified as a Variant of Uncertain Significance.

Ambry Genetics
Classification: Uncertain significance for Primary ciliary dyskinesia. Last evaluated: 2022-12-28. Review status: criteria provided, single submitter. Criteria: Ambry Variant Classification Scheme 2023. Collection method: clinical testing. Allele origin: germline.